The following is an entry in ClinVar:

ClinVar aggregate classification (germline): Conflicting classifications of pathogenicity. Review status: criteria provided, conflicting classifications (1 of 4 stars). 3 submissions from 3 submitters: Uncertain significance (1); Likely benign (1). 1 of the submissions does not count toward it. Last evaluated 2026-09-01.

Conditions:
Type 2 diabetes mellitus. Also called: Type II diabetes mellitus. Identifiers: MedGen C0011860, MeSH D003924, MONDO:0005148, OMIM 125853, HP:0005978.

Allele frequency attached by ClinVar (database versions not stated): gnomAD 0.00406 and 0.00405; TOPMed 0.00492; 1000 Genomes Project 0.00220; 1000 Genomes Project 30x 0.00265.

Submissions (3):

CeGaT Center for Human Genetics Tuebingen
Classification: Likely benign. Last evaluated: 2026-09-01. Review status: criteria provided, single submitter. Criteria: CeGaT Center For Human Genetics Tuebingen Variant Classification Criteria Version 2. Collection method: clinical testing. Allele origin: germline. Affected: yes. Observed: 2 variant alleles.
Comment: SLC2A4: BP4, BS2

Breakthrough Genomics
Classification: Uncertain significance. Review status: criteria provided, single submitter. Criteria: ACMG Guidelines, 2015. Collection method: not provided. Allele origin: germline. Inheritance: Unknown mechanism. Affected: yes.

OMIM
Classification: Uncertain significance for RECLASSIFIED - VARIANT OF UNKNOWN SIGNIFICANCE. Last evaluated: 1995-01-01. Review status: no assertion criteria provided. Collection method: literature only. Allele origin: germline. Not counted in ClinVar's aggregate classification.

Literature cited by the submitters: PubMed 1397719 (cited by OMIM); PubMed 7814014 (cited by OMIM); PubMed 1918382 (cited by OMIM).

NM_001042.3(SLC2A4):c.1147G>A (p.Val383Ile)

Gene: SLC2A4 (solute carrier family 2 member 4; plus strand). Cytogenetic location: 17p13.1.
Variant type: single nucleotide variant.
Coding change: c.1147G>A on transcript NM_001042.3 (MANE Select); coding-DNA position 1147, G replaced by A.
Protein change: p.Val383Ile; replaces valine 383 with isoleucine.
Molecular consequence: missense variant.
Genome position (GRCh38, 1-based): chr17:7,285,729, G>A. VCF-style: chr17-7285729-G-A. GRCh37 (hg19) VCF-style: chr17-7189048-G-A.
Other names: short protein forms V383I.
Identifiers: ClinVar variation 16089 (VCV000016089.26), dbSNP rs121434581, ClinGen allele CA018561.